The following is an entry in ClinVar:

NM_001372.4(DNAH9):c.8263del (p.Leu2755fs)

Gene: DNAH9 (dynein axonemal heavy chain 9; plus strand). Cytogenetic location: 17p12.
Variant type: Deletion.
Coding change: c.8263del on transcript NM_001372.4 (MANE Select); coding-DNA position 8263, one base deleted (C; older notation c.8263delC).
Protein change: p.Leu2755fs; shifts the reading frame from leucine 2755.
Molecular consequence: frameshift variant.
Genome position (GRCh38, 1-based): chr17:11,797,636, C deleted; the last of 2 consecutive C bases (chr17:11,797,635-11,797,636); deleting either gives the same sequence. VCF-style (leftmost placement, unchanged base first): chr17-11797634-AC-A. GRCh37 (hg19) VCF-style: chr17-11700951-AC-A.
Other names: short protein forms L2755fs.
Identifiers: ClinVar variation 4767542 (VCV004767542.1).

ClinVar aggregate classification (germline): Pathogenic (1 of 4 stars; one submission).

Submission:

Labcorp Genetics (formerly Invitae), Labcorp
Classification: Pathogenic. Last evaluated: 2025-04-17. Review status: criteria provided, single submitter. Criteria: Invitae Variant Classification Sherloc (09022015). Collection method: clinical testing. Allele origin: germline.
Comment: This sequence change creates a premature translational stop signal (p.Leu2755Cysfs*23) in the DNAH9 gene. It is expected to result in an absent or disrupted protein product. Loss-of-function variants in DNAH9 are known to be pathogenic (PMID: 30471718). This variant is not present in population databases (gnomAD no frequency). This variant has not been reported in the literature in individuals affected with DNAH9-related conditions. For these reasons, this variant has been classified as Pathogenic.

Literature cited by the submitters: PubMed 30471718.